The following is an entry in ClinVar:

NM_001330691.3(CEP78):c.755_756del (p.Leu252fs)

Gene: CEP78 (centrosomal protein 78; plus strand). Cytogenetic location: 9q21.2.
Variant type: Microsatellite.
Coding change: c.755_756del on transcript NM_001330691.3 (MANE Select); coding-DNA positions 755 to 756, 2 bases deleted (TC; older notation c.755_756delTC).
Protein change: p.Leu252fs; shifts the reading frame from leucine 252.
Molecular consequence: frameshift variant.
Genome position (GRCh38, 1-based): chr9:78,243,613-78,243,614, TC deleted; deleting any 2 consecutive bases within chr9:78,243,608-78,243,614 gives the same sequence; the c. name uses the placement nearest the transcript's 3' end. VCF-style (leftmost placement, unchanged base first): chr9-78243607-ACT-A. GRCh37 (hg19) VCF-style: chr9-80858523-ACT-A.
Other names: c.755_756del, p.Leu252fs (NM_001098802.3, NM_001330693.3, NM_001330694.2 and 4 more transcripts); short protein forms L252fs.
Identifiers: ClinVar variation 4292797 (VCV004292797.1).

ClinVar aggregate classification (germline): Pathogenic (1 of 4 stars; one submission).

Conditions:
Cone-rod dystrophy and hearing loss 1 (CRDHL1). Identifiers: MedGen C5193018, MONDO:0020778, OMIM 617236.

Submission:

3billion
Classification: Pathogenic for Cone-rod dystrophy and hearing loss 1. Last evaluated: 2025-04-11. Review status: criteria provided, single submitter. Criteria: ACMG Guidelines, 2015. Collection method: clinical testing. Allele origin: germline. Affected: yes.
Comment: The variant is observed at an extremely low frequency in the gnomAD v4.1.0 dataset (total allele frequency: <0.001%). Predicted Consequence/Location: Frameshift: predicted to result in a loss or disruption of normal protein function through nonsense-mediated decay (NMD) or protein truncation. Multiple pathogenic variants are reported downstream of the variant. The variant was homozygous. The variant has been previously reported (PMID: 31964843). Therefore, this variant is classified as Pathogenic according to the recommendation of ACMG/AMP guideline.